The following is an entry in ClinVar:

ClinVar aggregate classification (germline): Likely benign. Review status: criteria provided, multiple submitters, no conflicts (2 of 4 stars). 3 submissions from 3 submitters: Likely benign (3). Last evaluated 2026-01-15.

Conditions:
RYR1-related disorder. Also called: RYR1-related condition; RYR1-related disorders. Identifiers: MedGen CN239331.
Malignant hyperthermia, susceptibility to, 1 (MHS1). Also called: Anesthesia related hyperthermia; Malignant hyperpyrexia; Fulminating hyperpyrexia; Pharmacogenic myopathy; RYR1-Related Malignant Hyperthermia Susceptibility; Malignant hyperthermia suceptibility 1. Identifiers: Orphanet 423, MedGen C2930980, MONDO:0007783, OMIM 145600.

Allele frequency attached by ClinVar (database versions not stated): gnomAD 0.00002.
gnomAD v4.1: 5 of 1,613,842 alleles (0.00031%); highest among the groups gnomAD compares: Admixed American, 0.0083%; 1 homozygote.

Submissions (3):

Labcorp Genetics (formerly Invitae), Labcorp
Classification: Likely benign for RYR1-related disorder. Last evaluated: 2026-01-15. Review status: criteria provided, single submitter. Criteria: Invitae Variant Classification Sherloc (09022015). Collection method: clinical testing. Allele origin: germline.

Color Diagnostics, LLC DBA Color Health
Classification: Likely benign for Malignant hyperthermia, susceptibility to, 1. Last evaluated: 2023-11-08. Review status: criteria provided, single submitter. Criteria: ACMG Guidelines, 2015. Collection method: clinical testing. Allele origin: germline.

GeneDx
Classification: Likely benign. Last evaluated: 2017-04-03. Review status: criteria provided, single submitter. Criteria: GeneDx Variant Classification (06012015). Collection method: clinical testing. Allele origin: germline. Affected: yes.
Comment: This variant is considered likely benign or benign based on one or more of the following criteria: it is a conservative change, it occurs at a poorly conserved position in the protein, it is predicted to be benign by multiple in silico algorithms, and/or has population frequency not consistent with disease.

NM_000540.3(RYR1):c.3834C>T (p.Ser1278=)

Gene: RYR1 (ryanodine receptor 1; plus strand). Cytogenetic location: 19q13.2.
Variant type: single nucleotide variant.
Coding change: c.3834C>T on transcript NM_000540.3 (MANE Select); coding-DNA position 3834, C replaced by T.
Protein change: p.Ser1278=; no amino-acid change (serine 1278 retained).
Molecular consequence: synonymous variant.
Genome position (GRCh38, 1-based): chr19:38,473,445, C>T. VCF-style: chr19-38473445-C-T. GRCh37 (hg19) VCF-style: chr19-38964085-C-T.
Other names: c.3834C>T, p.Ser1278= (NM_001042723.2).
Identifiers: ClinVar variation 508558 (VCV000508558.9), dbSNP rs1406967617, ClinGen allele CA507235559.